The following is an entry in ClinVar:

GRCh37/hg19 16p13.3(chr16:85881-470832)x1

Genes: ARHGDIG (Rho GDP dissociation inhibitor gamma; plus strand), AXIN1 (axin 1; minus strand), DECR2 (2,4-dienoyl-CoA reductase 2; plus strand), FAM234A (family with sequence similarity 234 member A; plus strand), HBA1 (hemoglobin subunit alpha 1; plus strand) and 15 more. Cytogenetic location: 16p13.3.
Variant type: copy number loss.
Change: copy number 1 (one copy instead of two) of chr16:85,881-470,832 (385.0 kb, GRCh37 coordinates, 1-based), cytogenetic band 16p13.3.
Identifiers: ClinVar variation 2685537 (VCV002685537.2).

ClinVar aggregate classification (germline): Pathogenic (1 of 4 stars; one submission).

Submission:

Quest Diagnostics Nichols Institute San Juan Capistrano
Classification: Pathogenic. Last evaluated: 2026-06-05. Review status: criteria provided, single submitter. Criteria: ACMG/ClinGen CNV Guidelines, 2019. Collection method: clinical testing. Allele origin: unknown.
Comment: This copy number loss involves at least 20 protein-coding genes including NPRL3 (OMIM 600928), HBA1 (OMIM 141800), and HBA2 (OMIM 141850). Haploinsufficiency of NPRL3 has been associated with autosomal dominant focal epilepsy with variable foci (OMIM 617118, CCID:007569; Duan 2022, Krenn 2020, Vawter-Lee 2019). Of note, there are several instances of NPRL3 variants reported in unaffected family members, suggesting reduced penetrance. Larger copy number losses in this region have been associated with autosomal dominant chromosome 16-related alpha-thalassemia/intellectual disability syndrome (ATR-16; OMIM 141750; Bezerra 2008, Gibbons 2012). Thus, based on current medical literature this copy number variant (CNV) is classified as pathogenic.

Literature cited by the submitters: PubMed 18492098; PubMed 35231114; PubMed 23028133; PubMed 32086284; PubMed 31733420.